The following is an entry in ClinVar:

NM_000051.4(ATM):c.947A>G (p.Tyr316Cys)

Gene: ATM (ATM serine/threonine kinase; plus strand). Cytogenetic location: 11q22.3.
Variant type: single nucleotide variant.
Coding change: c.947A>G on transcript NM_000051.4 (MANE Select); coding-DNA position 947, A replaced by G.
Protein change: p.Tyr316Cys; replaces tyrosine 316 with cysteine.
Molecular consequence: missense variant.
Genome position (GRCh38, 1-based): chr11:108,247,009, A>G. VCF-style: chr11-108247009-A-G. GRCh37 (hg19) VCF-style: chr11-108117736-A-G.
Other names: c.947A>G, p.Tyr316Cys (NM_001351834.2); short protein forms Y316C.
Identifiers: ClinVar variation 660634 (VCV000660634.25), dbSNP rs1340280916, ClinGen allele CA382530835.

ClinVar aggregate classification (germline): Uncertain significance. Review status: criteria provided, multiple submitters, no conflicts (2 of 4 stars). 5 submissions from 5 submitters: Uncertain significance (4). 1 of the submissions does not count toward it. Last evaluated 2025-10-25.

Conditions:
Hereditary cancer-predisposing syndrome. Also called: Neoplastic Syndromes, Hereditary; Hereditary neoplastic syndrome; Tumor predisposition; Hereditary Cancer Syndrome. Identifiers: Orphanet 140162, MedGen C0027672, MeSH D009386, MONDO:0015356.
Ataxia-telangiectasia syndrome (AT). Also called: Ataxia-telangiectasia, complementation group D; AT, COMPLEMENTATION GROUP C; Ataxia telangiectasia (A-T); Cerebello-oculocutaneous telangiectasia; Immunodeficiency with ataxia telangiectasia; ATAXIA-TELANGIECTASIA, COMPLEMENTATION GROUP A. Identifiers: Orphanet 100, MedGen C0004135, MONDO:0008840, OMIM 208900.

Allele frequency attached by ClinVar (database versions not stated): gnomAD exomes below 0.00001; TOPMed below 0.00001; gnomAD 0.00001.
gnomAD v4.1: 2 of 1,612,938 alleles (0.00012%); highest among the groups gnomAD compares: Non-Finnish European, 0.00017%; no homozygotes.

Submissions (5):

Labcorp Genetics (formerly Invitae), Labcorp
Classification: Uncertain significance for Ataxia-telangiectasia syndrome. Last evaluated: 2025-10-25. Review status: criteria provided, single submitter. Criteria: Invitae Variant Classification Sherloc (09022015). Collection method: clinical testing. Allele origin: germline.
Comment: This sequence change replaces tyrosine, which is neutral and polar, with cysteine, which is neutral and slightly polar, at codon 316 of the ATM protein (p.Tyr316Cys). This variant is present in population databases (no rsID available, gnomAD 0.0009%). This variant has not been reported in the literature in individuals affected with ATM-related conditions. ClinVar contains an entry for this variant (Variation ID: 660634). Invitae Evidence Modeling of protein sequence and biophysical properties (such as structural, functional, and spatial information, amino acid conservation, physicochemical variation, residue mobility, and thermodynamic stability) has been performed for this missense variant. However, the output from this modeling did not meet the statistical confidence thresholds required to predict the impact of this variant on ATM protein function. In summary, the available evidence is currently insufficient to determine the role of this variant in disease. Therefore, it has been classified as a Variant of Uncertain Significance.

Women's Health and Genetics/Laboratory Corporation of America, LabCorp
Classification: Uncertain significance. Last evaluated: 2025-04-10. Review status: criteria provided, single submitter. Criteria: LabCorp Variant Classification Summary - May 2015. Collection method: clinical testing. Allele origin: germline.
Comment: Variant summary: ATM c.947A>G (p.Tyr316Cys) results in a non-conservative amino acid change in the encoded protein sequence. Four of five in-silico tools predict a damaging effect of the variant on protein function. The variant allele was found at a frequency of 4e-06 in 250998 control chromosomes. The available data on variant occurrences in the general population are insufficient to allow any conclusion about variant significance. To our knowledge, no occurrence of c.947A>G in individuals affected with Prostate Cancer and no experimental evidence demonstrating its impact on protein function have been reported. ClinVar contains an entry for this variant (Variation ID: 660634). Based on the evidence outlined above, the variant was classified as uncertain significance.

Color Diagnostics, LLC DBA Color Health
Classification: Uncertain significance for Hereditary cancer-predisposing syndrome. Last evaluated: 2024-12-17. Review status: criteria provided, single submitter. Criteria: ACMG Guidelines, 2015. Collection method: clinical testing. Allele origin: germline.
Comment: This missense variant replaces tyrosine with cysteine at codon 316 of the ATM protein. Computational prediction is inconclusive regarding the impact of this variant on protein structure and function. To our knowledge, functional studies have not been reported for this variant. This variant has not been reported in individuals affected with hereditary cancer in the literature. This variant has been identified in 1/250998 chromosomes in the general population by the Genome Aggregation Database (gnomAD). The available evidence is insufficient to determine the role of this variant in disease conclusively. Therefore, this variant is classified as a Variant of Uncertain Significance.

Ambry Genetics
Classification: Uncertain significance for Hereditary cancer-predisposing syndrome. Last evaluated: 2024-11-06. Review status: criteria provided, single submitter. Criteria: Ambry Variant Classification Scheme 2023. Collection method: clinical testing. Allele origin: germline.
Comment: The p.Y316C variant (also known as c.947A>G), located in coding exon 7 of the ATM gene, results from an A to G substitution at nucleotide position 947. The tyrosine at codon 316 is replaced by cysteine, an amino acid with highly dissimilar properties. This amino acid position is highly conserved in available vertebrate species. In addition, this alteration is predicted to be deleterious by in silico analysis. Based on the available evidence, the clinical significance of this variant remains unclear.

Natera, Inc.
Classification: Uncertain significance for Ataxia-telangiectasia. Last evaluated: 2021-08-17. Review status: no assertion criteria provided. Collection method: clinical testing. Allele origin: germline. Not counted in ClinVar's aggregate classification.